The following is an entry in ClinVar:

ClinVar aggregate classification (germline): Uncertain significance (1 of 4 stars; one submission).

Allele frequency attached by ClinVar (database versions not stated): gnomAD exomes 0.00001.
gnomAD v4.1: 20 of 1,613,482 alleles (0.0012%); highest among the groups gnomAD compares: Admixed American, 0.005%; no homozygotes.

Submission:

Labcorp Genetics (formerly Invitae), Labcorp
Classification: Uncertain significance. Last evaluated: 2022-04-15. Review status: criteria provided, single submitter. Criteria: Invitae Variant Classification Sherloc (09022015). Collection method: clinical testing. Allele origin: germline.
Comment: This sequence change replaces arginine, which is basic and polar, with histidine, which is basic and polar, at codon 70 of the IFT74 protein (p.Arg70His). This variant is present in population databases (no rsID available, gnomAD 0.009%). This variant has not been reported in the literature in individuals affected with IFT74-related conditions. Algorithms developed to predict the effect of missense changes on protein structure and function (SIFT, PolyPhen-2, Align-GVGD) all suggest that this variant is likely to be disruptive. In summary, the available evidence is currently insufficient to determine the role of this variant in disease. Therefore, it has been classified as a Variant of Uncertain Significance.

NM_025103.4(IFT74):c.209G>A (p.Arg70His)

Gene: IFT74 (intraflagellar transport 74; plus strand). Cytogenetic location: 9p21.2.
Variant type: single nucleotide variant.
Coding change: c.209G>A on transcript NM_025103.4 (MANE Select); coding-DNA position 209, G replaced by A.
Protein change: p.Arg70His; replaces arginine 70 with histidine.
Molecular consequence: missense variant.
Genome position (GRCh38, 1-based): chr9:26,978,216, G>A. VCF-style: chr9-26978216-G-A. GRCh37 (hg19) VCF-style: chr9-26978214-G-A.
Other names: c.209G>A, p.Arg70His (NM_001099222.3, NM_001099223.3, NM_001099224.3 and 1 more transcripts); short protein forms R70H.
Identifiers: ClinVar variation 1979876 (VCV001979876.2), dbSNP rs1424717476, ClinGen allele CA373124043.